The following is an entry in ClinVar:

ClinVar aggregate classification (germline): Uncertain significance (1 of 4 stars; one submission).

Submission:

Labcorp Genetics (formerly Invitae), Labcorp
Classification: Uncertain significance. Last evaluated: 2022-10-13. Review status: criteria provided, single submitter. Criteria: Invitae Variant Classification Sherloc (09022015). Collection method: clinical testing. Allele origin: germline.
Comment: This variant is not present in population databases (gnomAD no frequency). This variant has not been reported in the literature in individuals affected with DTHD1-related conditions. Algorithms developed to predict the effect of missense changes on protein structure and function are either unavailable or do not agree on the potential impact of this missense change (SIFT: "Deleterious"; PolyPhen-2: "Possibly Damaging"; Align-GVGD: "Class C0"). In summary, the available evidence is currently insufficient to determine the role of this variant in disease. Therefore, it has been classified as a Variant of Uncertain Significance. This sequence change replaces glutamine, which is neutral and polar, with arginine, which is basic and polar, at codon 544 of the DTHD1 protein (p.Gln544Arg).

NM_001170700.3(DTHD1):c.2501A>G (p.Gln834Arg)

Gene: DTHD1 (death domain containing 1; plus strand). Cytogenetic location: 4p14.
Variant type: single nucleotide variant.
Coding change: c.2501A>G on transcript NM_001170700.3 (MANE Select); coding-DNA position 2501, A replaced by G.
Protein change: p.Gln834Arg; replaces glutamine 834 with arginine.
Molecular consequence: missense variant. On other transcripts: non-coding transcript variant (2).
Genome position (GRCh38, 1-based): chr4:36,343,604, A>G. VCF-style: chr4-36343604-A-G. GRCh37 (hg19) VCF-style: chr4-36345226-A-G.
Other names: c.1631A>G, p.Gln544Arg (NM_001136536.5); c.1510A>G, p.Ser504Gly (NM_001378435.1); short protein forms Q544R, Q834R, S504G.
Identifiers: ClinVar variation 1721555 (VCV001721555.5), dbSNP rs2529891398, ClinGen allele CA356682224.